The following is an entry in ClinVar:

ClinVar aggregate classification (germline): Pathogenic (1 of 4 stars; one submission).

Conditions:
Hereditary cancer-predisposing syndrome. Also called: Hereditary Cancer Syndrome; Hereditary neoplastic syndrome; Neoplastic Syndromes, Hereditary; Tumor predisposition. Identifiers: Orphanet 140162, MedGen C0027672, MeSH D009386, MONDO:0015356.

Submission:

Ambry Genetics
Classification: Pathogenic for Hereditary cancer-predisposing syndrome. Last evaluated: 2022-08-22. Review status: criteria provided, single submitter. Criteria: Ambry Variant Classification Scheme 2023. Collection method: clinical testing. Allele origin: germline.
Comment: The c.595_596insA pathogenic mutation, located in coding exon 4 of the PALB2 gene, results from an insertion of one nucleotide at position 595, causing a translational frameshift with a predicted alternate stop codon (p.L199Hfs*5). This alteration is expected to result in loss of function by premature protein truncation or nonsense-mediated mRNA decay. As such, this alteration is interpreted as a disease-causing mutation.

NM_024675.4(PALB2):c.595_596insA (p.Leu199fs)

Gene: PALB2 (partner and localizer of BRCA2; minus strand). Cytogenetic location: 16p12.2.
Variant type: Insertion.
Coding change: c.595_596insA on transcript NM_024675.4 (MANE Select); coding-DNA positions 595 to 596, A inserted.
Protein change: p.Leu199fs; shifts the reading frame from leucine 199.
Molecular consequence: frameshift variant.
Genome position: GRCh38 VCF-style: chr16-23635950-A-AT. GRCh37 (hg19) VCF-style: chr16-23647271-A-AT.
Other names: c.535_536insA, p.Leu179Hisfs (NM_001407296.1); c.595_596insA, p.Leu199Hisfs (NM_001407297.1, NM_001407298.1, NM_001407299.1 and 3 more transcripts); c.-291_-290insA (NM_001407304.1, NM_001407305.1, NM_001407306.1 and 5 more transcripts); short protein forms L199fs.
Identifiers: ClinVar variation 1750684 (VCV001750684.2), dbSNP rs2506506429, ClinGen allele CA2580091362.